The following is an entry in ClinVar:

ClinVar aggregate classification (germline): Uncertain significance (1 of 4 stars; one submission).

Conditions:
Gastrointestinal stromal tumor. Also called: Gastrointestinal stroma tumor; Gastrointestinal stromal tumor, somatic. Identifiers: Orphanet 44890, MedGen C0238198, MeSH D046152, MONDO:0011719, OMIM 606764, HP:0100723.

Submission:

Labcorp Genetics (formerly Invitae), Labcorp
Classification: Uncertain significance for Gastrointestinal stromal tumor. Last evaluated: 2021-03-11. Review status: criteria provided, single submitter. Criteria: Invitae Variant Classification Sherloc (09022015). Collection method: clinical testing. Allele origin: germline.
Comment: In summary, the available evidence is currently insufficient to determine the role of this variant in disease. Therefore, it has been classified as a Variant of Uncertain Significance. This variant has not been reported in the literature in individuals with PDGFRA-related conditions. This variant results in a copy number gain of the genomic region encompassing exon(s) 1-13 of the PDGFRA gene. This region includes the initiator codon of the gene. The 5' end of this event is unknown as it extends beyond the assayed region for this gene and therefore may encompass additional genes. The 3' boundary is likely confined to intron 13 of the PDGFRA gene. As the precise location of this event is unknown, it may be in tandem or it may be located elsewhere in the genome.

NC_000004.11:g.(?_55094349)_(55143669_?)dup

Gene: PDGFRA (platelet derived growth factor receptor alpha; plus strand). Cytogenetic location: 4q12.
Variant type: Duplication.
Identifiers: ClinVar variation 1411481 (VCV001411481.11).